The following is an entry in ClinVar:

ClinVar aggregate classification (germline): Uncertain significance (1 of 4 stars; one submission).

Conditions:
Inborn genetic diseases. Identifiers: MedGen C0950123, MeSH D030342.

Submission:

Ambry Genetics
Classification: Uncertain significance for Inborn genetic diseases. Last evaluated: 2025-11-01. Review status: criteria provided, single submitter. Criteria: Ambry Variant Classification Scheme 2023. Collection method: clinical testing. Allele origin: germline.
Comment: The p.V1029L variant (also known as c.3085G>T), located in coding exon 13 of the ASXL1 gene, results from a G to T substitution at nucleotide position 3085. The valine at codon 1029 is replaced by leucine, an amino acid with highly similar properties. This amino acid position is conserved. In addition, this alteration is predicted to be tolerated by in silico analysis. Based on the available evidence, the clinical significance of this variant remains unclear.

NM_015338.6(ASXL1):c.3085G>T (p.Val1029Leu)

Gene: ASXL1 (ASXL transcriptional regulator 1; plus strand). Cytogenetic location: 20q11.21.
Variant type: single nucleotide variant.
Coding change: c.3085G>T on transcript NM_015338.6 (MANE Select); coding-DNA position 3085, G replaced by T.
Protein change: p.Val1029Leu; replaces valine 1029 with leucine.
Molecular consequence: missense variant.
Genome position (GRCh38, 1-based): chr20:32,435,797, G>T. VCF-style: chr20-32435797-G-T. GRCh37 (hg19) VCF-style: chr20-31023600-G-T.
Other names: c.2902G>T, p.Val968Leu (NM_001363734.1); short protein forms V1029L, V968L.
Identifiers: ClinVar variation 4588268 (VCV004588268.1).